The following is an entry in ClinVar:

ClinVar aggregate classification (germline): Uncertain significance (1 of 4 stars; one submission).

Conditions:
Inborn genetic diseases. Identifiers: MedGen C0950123, MeSH D030342.

Submission:

Ambry Genetics
Classification: Uncertain significance for Inborn genetic diseases. Last evaluated: 2025-01-06. Review status: criteria provided, single submitter. Criteria: Ambry Variant Classification Scheme 2023. Collection method: clinical testing. Allele origin: germline.
Comment: The p.S291Y variant (also known as c.872C>A), located in coding exon 3 of the MBD4 gene, results from a C to A substitution at nucleotide position 872. The serine at codon 291 is replaced by tyrosine, an amino acid with dissimilar properties. This amino acid position is conserved. In addition, the in silico prediction for this alteration is inconclusive. Based on the available evidence, the clinical significance of this variant remains unclear.

NM_001276270.2(MBD4):c.872C>A (p.Ser291Tyr)

Gene: MBD4 (methyl-CpG binding domain 4, DNA glycosylase; minus strand). Cytogenetic location: 3q21.3.
Variant type: single nucleotide variant.
Coding change: c.872C>A on transcript NM_001276270.2 (MANE Select); coding-DNA position 872, C replaced by A.
Protein change: p.Ser291Tyr; replaces serine 291 with tyrosine.
Molecular consequence: missense variant. On other transcripts: intron variant (1).
Genome position (GRCh38, 1-based): chr3:129,436,772, G>T on the plus strand (C>A on the coding strand, the complement: MBD4 is on the minus strand). VCF-style: chr3-129436772-G-T. GRCh37 (hg19) VCF-style: chr3-129155615-G-T.
Other names: c.872C>A, p.Ser291Tyr (NM_001276271.2, NM_001276272.2, NM_003925.3); c.247+1036C>A (NM_001276273.2); short protein forms S291Y.
Identifiers: ClinVar variation 3870889 (VCV003870889.1).